The following is an entry in ClinVar:

NM_052989.3(IFT122):c.1852-22T>C

Gene: IFT122 (intraflagellar transport 122; plus strand). Cytogenetic location: 3q21.3.
Variant type: single nucleotide variant.
Coding change: c.1852-22T>C on transcript NM_052989.3 (MANE Select); 22 bases into the intron before coding-DNA position 1852, T replaced by C.
Molecular consequence: intron variant.
Genome position (GRCh38, 1-based): chr3:129,488,235, T>C. VCF-style: chr3-129488235-T-C. GRCh37 (hg19) VCF-style: chr3-129207078-T-C.
Other names: c.1402-22T>C (NM_001280545.2); c.2005-22T>C (NM_052985.4); c.1828-22T>C (NM_001280541.2); c.1852-22T>C (NM_001410808.1, NM_001410809.1); c.1675-22T>C (NM_001410810.1, NM_018262.4, NM_001410811.1 and 1 more transcripts); c.1225-22T>C (NM_001280546.2); c.1519-22T>C (NM_052990.3, NM_001410815.1, NM_001410817.1).
Identifiers: ClinVar variation 3030424 (VCV003030424.2), dbSNP rs1355103989, ClinGen allele CA546216170.

ClinVar aggregate classification (germline): Likely benign (0 of 4 stars; one submission).

Conditions:
IFT122-related disorder. Also called: IFT122-related condition.

Allele frequency attached by ClinVar (database versions not stated): gnomAD exomes below 0.00001; TOPMed 0.00001.
gnomAD v4.1: 2 of 1,614,078 alleles (0.00012%); highest among the groups gnomAD compares: Non-Finnish European, 0.00017%; no homozygotes.

Submission:

PreventionGenetics, part of Exact Sciences
Classification: Likely benign for IFT122-related condition. Last evaluated: 2020-11-20. Review status: no assertion criteria provided. Collection method: clinical testing. Allele origin: germline.
Comment: This variant is classified as likely benign based on ACMG/AMP sequence variant interpretation guidelines (Richards et al. 2015 PMID: 25741868, with internal and published modifications).